The following is an entry in ClinVar:

NM_007194.4(CHEK2):c.375T>A (p.Phe125Leu)

Gene: CHEK2 (checkpoint kinase 2; minus strand). Cytogenetic location: 22q12.1.
Variant type: single nucleotide variant.
Coding change: c.375T>A on transcript NM_007194.4 (MANE Select); coding-DNA position 375, T replaced by A.
Protein change: p.Phe125Leu; replaces phenylalanine 125 with leucine.
Molecular consequence: missense variant.
Genome position (GRCh38, 1-based): chr22:28,725,312, A>T on the plus strand (T>A on the coding strand, the complement: CHEK2 is on the minus strand). VCF-style: chr22-28725312-A-T. GRCh37 (hg19) VCF-style: chr22-29121300-A-T.
Other names: c.504T>A, p.Phe168Leu (NM_001005735.3); c.-403T>A (NM_001257387.3); c.375T>A, p.Phe125Leu (NM_001349956.3, NM_145862.3); short protein forms F168L, F125L.
Identifiers: ClinVar variation 2717748 (VCV002717748.3), dbSNP rs2146069768, ClinGen allele CA411108102.

ClinVar aggregate classification (germline): Uncertain significance (1 of 4 stars; one submission).

Conditions:
Familial cancer of breast. Also called: Hereditary breast cancer; BREAST CANCER, FAMILIAL; hereditary breast carcinoma. Identifiers: Orphanet 227535, MedGen C0346153, MONDO:0016419, OMIM 114480. Disease mechanism: loss of function.

Submission:

Labcorp Genetics (formerly Invitae), Labcorp
Classification: Uncertain significance for Familial cancer of breast. Last evaluated: 2023-10-05. Review status: criteria provided, single submitter. Criteria: Invitae Variant Classification Sherloc (09022015). Collection method: clinical testing. Allele origin: germline.
Comment: This sequence change replaces phenylalanine, which is neutral and non-polar, with leucine, which is neutral and non-polar, at codon 125 of the CHEK2 protein (p.Phe125Leu). This variant is not present in population databases (gnomAD no frequency). This variant has not been reported in the literature in individuals affected with CHEK2-related conditions. An algorithm developed to predict the effect of missense changes on protein structure and function (PolyPhen-2) suggests that this variant is likely to be disruptive. In summary, the available evidence is currently insufficient to determine the role of this variant in disease. Therefore, it has been classified as a Variant of Uncertain Significance.